The following is an entry in ClinVar:

ClinVar aggregate classification (germline): Uncertain significance (1 of 4 stars; one submission).

Submission:

Ambry Genetics
Classification: Uncertain significance. Last evaluated: 2022-01-30. Review status: criteria provided, single submitter. Criteria: Ambry Variant Classification Scheme 2023. Collection method: clinical testing. Allele origin: germline.
Comment: The p.S20C variant (also known as c.59C>G), located in coding exon 1 of the EGLN2 gene, results from a C to G substitution at nucleotide position 59. The serine at codon 20 is replaced by cysteine, an amino acid with dissimilar properties. This amino acid position is conserved. In addition, this alteration is predicted to be tolerated by in silico analysis. Since supporting evidence is limited at this time, the clinical significance of this alteration remains unclear.

NM_080732.4(EGLN2):c.59C>G (p.Ser20Cys)

Genes: EGLN2 (egl-9 family hypoxia inducible factor 2; plus strand), RAB4B-EGLN2 (RAB4B-EGLN2 readthrough (NMD candidate); plus strand). Cytogenetic location: 19q13.2.
Variant type: single nucleotide variant.
Coding change: c.59C>G on transcript NM_080732.4 (MANE Select); coding-DNA position 59, C replaced by G.
Protein change: p.Ser20Cys; replaces serine 20 with cysteine.
Molecular consequence: missense variant. On other transcripts: non-coding transcript variant (1).
Genome position (GRCh38, 1-based): chr19:40,800,631, C>G. VCF-style: chr19-40800631-C-G. GRCh37 (hg19) VCF-style: chr19-41306536-C-G.
Other names: c.59C>G, p.Ser20Cys (NM_053046.4); short protein forms S20C.
Identifiers: ClinVar variation 1750956 (VCV001750956.2), dbSNP rs758880158, ClinGen allele CA405954483.